The following is an entry in ClinVar:

NM_153252.5(BRWD3):c.4138G>A (p.Glu1380Lys)

Gene: BRWD3 (bromodomain and WD repeat domain containing 3; minus strand). Cytogenetic location: Xq21.1.
Variant type: single nucleotide variant.
Coding change: c.4138G>A on transcript NM_153252.5 (MANE Select); coding-DNA position 4138, G replaced by A.
Protein change: p.Glu1380Lys; replaces glutamic acid 1380 with lysine.
Molecular consequence: missense variant.
Genome position (GRCh38, 1-based): chrX:80,684,105, C>T on the plus strand (G>A on the coding strand, the complement: BRWD3 is on the minus strand). VCF-style: chrX-80684105-C-T. GRCh37 (hg19) VCF-style: chrX-79939604-C-T.
Other names: short protein forms E1380K.
Identifiers: ClinVar variation 1029231 (VCV001029231.1), dbSNP rs2072490230, ClinGen allele CA413610754.

ClinVar aggregate classification (germline): Uncertain significance (1 of 4 stars; one submission).

Conditions:
Intellectual developmental disorder, X-linked 93. Also called: MENTAL RETARDATION, X-LINKED, WITH MACROCEPHALY; Intellectual disability, X-linked 93. Identifiers: MedGen C1970841, MONDO:0010393, OMIM 300659.

Submission:

Baylor Genetics
Classification: Uncertain significance for Intellectual developmental disorder, X-linked 93. Last evaluated: 2020-05-05. Review status: criteria provided, single submitter. Criteria: ACMG Guidelines, 2015. Collection method: clinical testing. Allele origin: unknown. Affected: yes.
Comment: This variant was determined to be of uncertain significance according to ACMG Guidelines, 2015 [PMID:25741868].